The following is an entry in ClinVar:

NM_001385641.1(SAMD11):c.919_921dup (p.Arg307dup)

Gene: SAMD11 (sterile alpha motif domain containing 11; plus strand). Cytogenetic location: 1p36.33.
Variant type: Duplication.
Coding change: c.919_921dup on transcript NM_001385641.1 (MANE Select); coding-DNA positions 919 to 921, 3 bases duplicated (CGC; older notation c.919_921dupCGC).
Protein change: p.Arg307dup; duplicates arginine 307.
Molecular consequence: inframe insertion.
Genome position (GRCh38, 1-based): chr1:935,848-935,850, CGC duplicated; duplicating any 3 consecutive bases within chr1:935,846-935,850 gives the same sequence; the c. name uses the placement nearest the transcript's 3' end. VCF-style (leftmost placement, unchanged base first): chr1-935845-A-AGCC. GRCh37 (hg19) VCF-style: chr1-871225-A-AGCC.
Other names: c.919_921dup, p.Arg307dup (NM_001385640.1); c.382_384dup, p.Arg128dup (NM_152486.4).
Identifiers: ClinVar variation 1370201 (VCV001370201.8), dbSNP rs2100330284, ClinGen allele CA2573132129.
Genomic context (GRCh38, chr1:935,845, plus strand): 5'-CTTCCCACCCTCATATCCAGCGTCCACCGCAGCCGCCACCTCGTTATGCCCGAGCATCAG[A>AGCC]GCCGCTGTGAATTCCAGAGAGGCAGCCTGGAGATTGGCCTGCGACCCGCCGGTGAGGAGC-3'

ClinVar aggregate classification (germline): Uncertain significance (1 of 4 stars; one submission).

Submission:

Labcorp Genetics (formerly Invitae), Labcorp
Classification: Uncertain significance. Last evaluated: 2021-02-08. Review status: criteria provided, single submitter. Criteria: Invitae Variant Classification Sherloc (09022015). Collection method: clinical testing. Allele origin: germline.
Comment: In summary, the available evidence is currently insufficient to determine the role of this variant in disease. Therefore, it has been classified as a Variant of Uncertain Significance. Experimental studies and prediction algorithms are not available or were not evaluated, and the functional significance of this variant is currently unknown. This variant has not been reported in the literature in individuals with SAMD11-related conditions. This variant is not present in population databases (ExAC no frequency). This variant, c.382_384dup, results in the insertion of 1 amino acid(s) to the SAMD11 protein (p.Arg128dup), but otherwise preserves the integrity of the reading frame.